The following is an entry in ClinVar:

NM_006734.4(HIVEP2):c.4487T>A (p.Val1496Asp)

Gene: HIVEP2 (HIVEP zinc finger 2; minus strand). Cytogenetic location: 6q24.2.
Variant type: single nucleotide variant.
Coding change: c.4487T>A on transcript NM_006734.4 (MANE Select); coding-DNA position 4487, T replaced by A.
Protein change: p.Val1496Asp; replaces valine 1496 with aspartic acid.
Molecular consequence: missense variant.
Genome position (GRCh38, 1-based): chr6:142,770,252, A>T on the plus strand (T>A on the coding strand, the complement: HIVEP2 is on the minus strand). VCF-style: chr6-142770252-A-T. GRCh37 (hg19) VCF-style: chr6-143091389-A-T.
Other names: c.4487T>A (NM_006734.3); short protein forms V1496D.
Identifiers: ClinVar variation 1977071 (VCV001977071.7), dbSNP rs1217827156, ClinGen allele CA365899973.
Genomic context (GRCh38, chr6:142,770,252, plus strand): 5'-GAGAAGGAAGATGACCCTGACTGCAAGCCATCTTTTGGCTCAGAAGCACATCCTTGTCGA[A>T]CCAGCTGGGGTTTCTGGGGGCGGGAGAGGTCCTTTTTGATGTCTGAGTTGGTCAGCTCCA-3'
Protein context (NP_006725.3, residues 1486-1506): DLSRPQKPQL[Val1496Asp]RQGCASEPKD

ClinVar aggregate classification (germline): Uncertain significance. Review status: criteria provided, multiple submitters, no conflicts (2 of 4 stars). 3 submissions from 3 submitters: Uncertain significance (3). Last evaluated 2026-02-16.

Conditions:
Inborn genetic diseases. Identifiers: MedGen C0950123, MeSH D030342.

Allele frequency attached by ClinVar (database versions not stated): gnomAD 0.00001; TOPMed 0.00001; gnomAD exomes 0.00002.
gnomAD v4.1: 15 of 1,614,060 alleles (0.00093%); highest among the groups gnomAD compares: Non-Finnish European, 0.0013%; no homozygotes.

Submissions (3):

Women's Health and Genetics/Laboratory Corporation of America, LabCorp
Classification: Uncertain significance. Last evaluated: 2026-02-16. Review status: criteria provided, single submitter. Criteria: LabCorp Variant Classification Summary - May 2015. Collection method: clinical testing. Allele origin: germline.
Comment: Variant summary: HIVEP2 c.4487T>A (p.Val1496Asp) results in a non-conservative amino acid change in the encoded protein sequence. Algorithms developed to predict the effect of missense changes on protein structure and function are either unavailable or do not agree on the potential impact of this missense change. The variant allele was found at a frequency of 4e-06 in 249580 control chromosomes. The available data on variant occurrences in the general population are insufficient to allow any conclusion about variant significance. To our knowledge, no occurrence of c.4487T>A in individuals affected with HIVEP2-related conditions and no experimental evidence demonstrating its impact on protein function have been reported. ClinVar contains an entry for this variant (Variation ID: 1977071). Based on the evidence outlined above, the variant was classified as uncertain significance.

Ambry Genetics
Classification: Uncertain significance for Inborn genetic diseases. Last evaluated: 2024-01-24. Review status: criteria provided, single submitter. Criteria: Ambry Variant Classification Scheme 2023. Collection method: clinical testing. Allele origin: germline.

Labcorp Genetics (formerly Invitae), Labcorp
Classification: Uncertain significance. Last evaluated: 2022-12-13. Review status: criteria provided, single submitter. Criteria: Invitae Variant Classification Sherloc (09022015). Collection method: clinical testing. Allele origin: germline.
Comment: In summary, the available evidence is currently insufficient to determine the role of this variant in disease. Therefore, it has been classified as a Variant of Uncertain Significance. Advanced modeling of protein sequence and biophysical properties (such as structural, functional, and spatial information, amino acid conservation, physicochemical variation, residue mobility, and thermodynamic stability) performed at Invitae indicates that this missense variant is expected to disrupt HIVEP2 protein function. This variant has not been reported in the literature in individuals affected with HIVEP2-related conditions. This variant is present in population databases (no rsID available, gnomAD 0.0009%). This sequence change replaces valine, which is neutral and non-polar, with aspartic acid, which is acidic and polar, at codon 1496 of the HIVEP2 protein (p.Val1496Asp).